The following is an entry in ClinVar:

ClinVar aggregate classification (germline): Pathogenic. Review status: criteria provided, multiple submitters, no conflicts (2 of 4 stars). 4 submissions from 4 submitters: Pathogenic (4). Last evaluated 2025-10-27.

Conditions:
Meckel-Gruber syndrome. Also called: Dysencephalia splachnocystica; DYSENCEPHALIA SPLANCHNOCYSTICA; GRUBER SYNDROME. Identifiers: Orphanet 564, MedGen C0265215, MONDO:0018921.
Nephronophthisis. Also called: Juvenile Nephronophthisis. Identifiers: Orphanet 655, MedGen C0687120, MONDO:0019005, HP:0000090.
Joubert syndrome. Also called: CEREBELLOPARENCHYMAL DISORDER IV; JOUBERT-BOLTSHAUSER SYNDROME; Familial aplasia of the vermis. Identifiers: Orphanet 475, MedGen C5979921, MONDO:0018772.
Bardet-Biedl syndrome 14 (BBS14). Identifiers: Orphanet 110, MedGen C2673874, MONDO:0014442, OMIM 615991.
Joubert syndrome 5 (JBTS5). Identifiers: Orphanet 2318, MedGen C1857780, MONDO:0012432, OMIM 610188.

Submissions (4):

Labcorp Genetics (formerly Invitae), Labcorp
Classification: Pathogenic for Joubert syndrome; Meckel-Gruber syndrome; Nephronophthisis. Last evaluated: 2025-10-27. Review status: criteria provided, single submitter. Criteria: Invitae Variant Classification Sherloc (09022015). Collection method: clinical testing. Allele origin: germline.
Comment: This sequence change creates a premature translational stop signal (p.Val705Leufs*11) in the CEP290 gene. It is expected to result in an absent or disrupted protein product. Loss-of-function variants in CEP290 are known to be pathogenic (PMID: 16909394, 17345604, 20690115). This variant is not present in population databases (gnomAD no frequency). This premature translational stop signal has been observed in individual(s) with Joubert syndrome (PMID: 26092869). ClinVar contains an entry for this variant (Variation ID: 217627). For these reasons, this variant has been classified as Pathogenic.

Baylor Genetics
Classification: Pathogenic for Bardet-Biedl syndrome 14. Last evaluated: 2023-02-26. Review status: criteria provided, single submitter. Criteria: ACMG Guidelines, 2015. Collection method: clinical testing. Allele origin: unknown.

GeneDx
Classification: Pathogenic. Last evaluated: 2022-02-09. Review status: criteria provided, single submitter. Criteria: GeneDx Variant Classification Process June 2021. Collection method: clinical testing. Allele origin: germline. Affected: yes.
Comment: Frameshift variant predicted to result in protein truncation or nonsense mediated decay in a gene for which loss-of-function is a known mechanism of disease; Not observed at significant frequency in large population cohorts (gnomAD); This variant is associated with the following publications: (PMID: 26092869)

UW Hindbrain Malformation Research Program, University of Washington
Classification: Pathogenic for Joubert syndrome 5. Last evaluated: 2015-02-23. Review status: criteria provided, single submitter. Criteria: Bachmann-Gagescu et al. (J Med Genet. 2015). Collection method: research. Allele origin: unknown. Affected: yes.

Literature cited by the submitters: PubMed 16909394 (cited by Labcorp Genetics (formerly Invitae), Labcorp); PubMed 17345604 (cited by Labcorp Genetics (formerly Invitae), Labcorp); PubMed 20690115 (cited by Labcorp Genetics (formerly Invitae), Labcorp); PubMed 26092869 (cited by Labcorp Genetics (formerly Invitae), Labcorp).

NM_025114.4(CEP290):c.2112del (p.Val705fs)

Gene: CEP290 (centrosomal protein 290; minus strand). Cytogenetic location: 12q21.32.
Variant type: Deletion.
Coding change: c.2112del on transcript NM_025114.4 (MANE Select); coding-DNA position 2112, one base deleted (A; older notation c.2112delA).
Protein change: p.Val705fs; shifts the reading frame from valine 705.
Molecular consequence: frameshift variant.
Genome position (GRCh38, 1-based): chr12:88,111,799, T deleted on the plus strand (A on the coding strand, the reverse complement: CEP290 is on the minus strand); the first of 2 consecutive T bases (chr12:88,111,799-88,111,800); deleting either gives the same sequence. VCF-style (leftmost placement, unchanged base first): chr12-88111798-CT-C. GRCh37 (hg19) VCF-style: chr12-88505575-CT-C.
Other names: c.2112delA (NM_025114.3); short protein forms V705fs.
Identifiers: ClinVar variation 217627 (VCV000217627.12), dbSNP rs863225183, ClinGen allele CA279409.